The following is an entry in ClinVar:

NM_194456.1(KRIT1):c.-680G>A

Genes: ANKIB1 (ankyrin repeat and IBR domain containing 1; plus strand), KRIT1 (KRIT1 ankyrin repeat containing; minus strand), LOC113748416 (Sharpr-MPRA regulatory region 5961; plus strand). Cytogenetic location: 7q21.2.
Variant type: single nucleotide variant.
Coding change: c.-680G>A on transcript NM_194456.1; 680 bases upstream of the start codon, G replaced by A.
Molecular consequence: 5 prime UTR variant.
Genome position (GRCh38, 1-based): chr7:92,245,996, C>T on the plus strand (G>A on the coding strand, the complement: KRIT1 is on the minus strand). VCF-style: chr7-92245996-C-T. GRCh37 (hg19) VCF-style: chr7-91875310-C-T.
Other names: c.-614C>T (NM_019004.2); c.-479G>A (NM_001013406.2, NM_001350690.1); c.-447G>A (NM_001350669.1); c.-627G>A (NM_001350670.1); c.-1387G>A (NM_001350671.1); c.-93G>A (NM_001350672.1); c.-607G>A (NM_001350693.1); c.-421G>A (NM_001350694.1); and 24 more.
Identifiers: ClinVar variation 360905 (VCV000360905.9), dbSNP rs28365965, ClinGen allele CA10629608.

ClinVar aggregate classification (germline): Benign. Review status: criteria provided, multiple submitters, no conflicts (2 of 4 stars). 4 submissions from 3 submitters: Benign (4). Last evaluated 2018-04-03.

Conditions:
Angiokeratoma corporis diffusum with arteriovenous fistulas. Identifiers: MedGen C1838141, MONDO:0010885, OMIM 600419.
Cerebral cavernous malformation (CCM). Also called: Cerebral cavernous hemangioma (type); Cerebral cavernous malformations; CAVERNOUS ANGIOMA, FAMILIAL; CAVERNOUS ANGIOMATOUS MALFORMATIONS; CEREBRAL CAPILLARY MALFORMATIONS; Cavernous Hemangioma of Brain. Identifiers: Orphanet 221061, MedGen C2919945, MONDO:0000820, OMIM 116860, HP:0033522.

Allele frequency attached by ClinVar (database versions not stated): TOPMed 0.08591; 1000 Genomes Project 30x 0.14866; gnomAD exomes 0.09732; 1000 Genomes Project 0.14996; gnomAD 0.07914.
gnomAD v4.1: 21,040 of 234,902 alleles (9%); highest among the groups gnomAD compares: East Asian, 36%; 1,309 homozygotes.

Submissions (4):

PreventionGenetics, part of Exact Sciences
Classification: Benign. Last evaluated: 2018-04-03. Review status: criteria provided, single submitter. Criteria: ACMG Guidelines, 2015. Collection method: clinical testing. Allele origin: germline.

Illumina Laboratory Services, Illumina
Classification: Benign for Cerebral cavernous malformation. Last evaluated: 2018-01-13. Review status: criteria provided, single submitter. Criteria: ICSL Variant Classification Criteria 13 December 2019. Collection method: clinical testing. Allele origin: germline.
Comment: This variant was observed in the ICSL laboratory as part of a predisposition screen in an ostensibly healthy population. It had not been previously curated by ICSL or reported in the Human Gene Mutation Database (HGMD: prior to June 1st, 2018), and was therefore a candidate for classification through an automated scoring system. Utilizing variant allele frequency, disease prevalence and penetrance estimates, and inheritance mode, an automated score was calculated to assess if this variant is too frequent to cause the disease. Based on the score and internal cut-off values, a variant classified as benign is not then subjected to further curation. The score for this variant resulted in a classification of benign for this disease.

Illumina Laboratory Services, Illumina
Classification: Benign for Angiokeratoma corporis diffusum with arteriovenous fistulas. Last evaluated: 2018-01-13. Review status: criteria provided, single submitter. Criteria: ICSL Variant Classification Criteria 13 December 2019. Collection method: clinical testing. Allele origin: germline.
Comment: the same text as in the submission from Illumina Laboratory Services, Illumina above.

Breakthrough Genomics
Classification: Benign. Review status: criteria provided, single submitter. Criteria: ACMG Guidelines, 2015. Collection method: not provided. Allele origin: germline. Inheritance: Unknown mechanism. Affected: yes.